The following is an entry in ClinVar:

ClinVar aggregate classification (germline): Uncertain significance. Review status: criteria provided, multiple submitters, no conflicts (2 of 4 stars). 4 submissions from 2 submitters: Uncertain significance (4). Last evaluated 2018-01-12.

Conditions:
Maturity-onset diabetes of the young type 13. Also called: MODY, TYPE 13. Identifiers: Orphanet 552, MedGen C4225365, MONDO:0014589, OMIM 616329.
Maturity-onset diabetes of the young (MODY). Also called: Maturity onset diabetes mellitus in young. Identifiers: Orphanet 552, MedGen C0342276, MONDO:0018911, HP:0004904.
Diabetes mellitus, transient neonatal, 3 (TNDM3). Identifiers: Orphanet 99886, MedGen C1864623, MONDO:0012522, OMIM 610582. Disease mechanism: loss of function.
Hyperinsulinemic hypoglycemia, familial, 2. Also called: HYPERINSULINEMIC HYPOGLYCEMIA, PERSISTENT; HYPERINSULINISM, NEONATAL. Identifiers: Orphanet 276580, Orphanet 276603, MedGen C2931833, MONDO:0011153, OMIM 601820. Disease mechanism: loss of function.

Allele frequency attached by ClinVar (database versions not stated): gnomAD 0.00002; gnomAD exomes 0.00003; TOPMed 0.00003.

Submissions (4):

Illumina Laboratory Services, Illumina
Classification: Uncertain significance for Maturity-onset diabetes of the young type 13. Last evaluated: 2018-01-12. Review status: criteria provided, single submitter. Criteria: ICSL Variant Classification Criteria 13 December 2019. Collection method: clinical testing. Allele origin: germline.

Illumina Laboratory Services, Illumina
Classification: Uncertain significance for Diabetes mellitus, transient neonatal, 3. Last evaluated: 2018-01-12. Review status: criteria provided, single submitter. Criteria: ICSL Variant Classification Criteria 13 December 2019. Collection method: clinical testing. Allele origin: germline.

Illumina Laboratory Services, Illumina
Classification: Uncertain significance for Hyperinsulinemic hypoglycemia, familial, 2. Last evaluated: 2018-01-12. Review status: criteria provided, single submitter. Criteria: ICSL Variant Classification Criteria 13 December 2019. Collection method: clinical testing. Allele origin: germline.

Clinical Genomics, Uppaluri K&H Personalized Medicine Clinic
Classification: Uncertain significance for Maturity-onset diabetes of the young. Review status: criteria provided, single submitter. Criteria: K & H Uppaluri Personalized Medicine Clinic Variant Classification & Assertion Criteria_Updated V.1. Collection method: research. Allele origin: somatic. Inheritance: Autosomal dominant inheritance.
Comment: Mutations in KCNJ11 gene can cause decreased production and secretion of insulin. This can lead to MODY which may be responsive to oral sulfonylureas. It is also associated with Neonatal Diabetes. However, no sufficient evidence is found to ascertain role of this particular variant (rs776949660) in MODY yet.

Literature cited by the submitters: PubMed 26448950 (cited by Clinical Genomics, Uppaluri K&H Personalized Medicine Clinic); PubMed 15580558 (cited by Clinical Genomics, Uppaluri K&H Personalized Medicine Clinic); PubMed 15718250 (cited by Clinical Genomics, Uppaluri K&H Personalized Medicine Clinic); PubMed 32935446 (cited by Clinical Genomics, Uppaluri K&H Personalized Medicine Clinic); PubMed 22701567 (cited by Clinical Genomics, Uppaluri K&H Personalized Medicine Clinic).

NM_000525.4(KCNJ11):c.-179C>T

Gene: KCNJ11 (potassium inwardly rectifying channel subfamily J member 11; minus strand). Cytogenetic location: 11p15.1.
Variant type: single nucleotide variant.
Coding change: c.-179C>T on transcript NM_000525.4 (MANE Select); 179 bases upstream of the start codon, C replaced by T.
Molecular consequence: 5 prime UTR variant. On other transcripts: intron variant (3).
Genome position (GRCh38, 1-based): chr11:17,388,270, G>A on the plus strand (C>T on the coding strand, the complement: KCNJ11 is on the minus strand). VCF-style: chr11-17388270-G-A. GRCh37 (hg19) VCF-style: chr11-17409817-G-A.
Other names: c.-16-424C>T (NM_001166290.2, NM_001377297.1); c.-75-194C>T (NM_001377296.1).
Identifiers: ClinVar variation 303741 (VCV000303741.6), dbSNP rs776949660, ClinGen allele CA10634201.